The following is an entry in ClinVar:

NM_015512.5(DNAH1):c.2278_2280del (p.Asn760del)

Gene: DNAH1 (dynein axonemal heavy chain 1; plus strand). Cytogenetic location: 3p21.1.
Variant type: Deletion.
Coding change: c.2278_2280del on transcript NM_015512.5 (MANE Select); coding-DNA positions 2278 to 2280, 3 bases deleted (AAT; older notation c.2278_2280delAAT).
Protein change: p.Asn760del; deletes asparagine 760.
Molecular consequence: inframe deletion.
Genome position (GRCh38, 1-based): chr3:52,349,059-52,349,061, AAT deleted. VCF-style (leftmost placement, unchanged base first): chr3-52349058-CAAT-C. GRCh37 (hg19) VCF-style: chr3-52383074-CAAT-C.
Other names: short protein forms N760del.
Identifiers: ClinVar variation 1369690 (VCV001369690.6), dbSNP rs774882237, ClinGen allele CA2433194.

ClinVar aggregate classification (germline): Uncertain significance (1 of 4 stars; one submission).

Conditions:
Spermatogenic failure 18. Identifiers: MedGen C4539783, MONDO:0054615, OMIM 617576.
Ciliary dyskinesia, primary, 37 (CILD37). Also called: CILIARY DYSKINESIA, PRIMARY, 37, WITH OR WITHOUT SITUS INVERSUS. Identifiers: MedGen C4539798, MONDO:0033204, OMIM 617577.

Allele frequency attached by ClinVar (database versions not stated): ExAC 0.00002; gnomAD exomes 0.00002; gnomAD 0.00005.

Submission:

Labcorp Genetics (formerly Invitae), Labcorp
Classification: Uncertain significance for Ciliary dyskinesia, primary, 37; Spermatogenic failure 18. Last evaluated: 2024-11-18. Review status: criteria provided, single submitter. Criteria: Invitae Variant Classification Sherloc (09022015). Collection method: clinical testing. Allele origin: germline.
Comment: This variant, c.2278_2280del, results in the deletion of 1 amino acid(s) of the DNAH1 protein (p.Asn760del), but otherwise preserves the integrity of the reading frame. This variant is present in population databases (rs774882237, gnomAD 0.008%). This variant has not been reported in the literature in individuals affected with DNAH1-related conditions. ClinVar contains an entry for this variant (Variation ID: 1369690). Experimental studies and prediction algorithms are not available or were not evaluated, and the functional significance of this variant is currently unknown. In summary, the available evidence is currently insufficient to determine the role of this variant in disease. Therefore, it has been classified as a Variant of Uncertain Significance.